The following is an entry in ClinVar:

NM_000070.3(CAPN3):c.1782+5G>A

Gene: CAPN3 (calpain 3; plus strand). Cytogenetic location: 15q15.1.
Variant type: single nucleotide variant.
Coding change: c.1782+5G>A on transcript NM_000070.3 (MANE Select); 5 bases into the intron after coding-DNA position 1782, G replaced by A.
Molecular consequence: intron variant.
Genome position (GRCh38, 1-based): chr15:42,403,782, G>A. VCF-style: chr15-42403782-G-A. GRCh37 (hg19) VCF-style: chr15-42695980-G-A.
Other names: c.1782+5G>A (NM_024344.2); c.1638+5G>A (NM_173087.2); c.246+5G>A (NM_173088.2).
Identifiers: ClinVar variation 285670 (VCV000285670.6), dbSNP rs886043173, ClinGen allele CA10605200.

ClinVar aggregate classification (germline): Uncertain significance. Review status: criteria provided, multiple submitters, no conflicts (2 of 4 stars). 2 submissions from 2 submitters: Uncertain significance (2). Last evaluated 2021-10-12.

Conditions:
Muscular dystrophy, limb-girdle, autosomal dominant 4. Also called: MUSCULAR DYSTROPHY, LIMB-GIRDLE, TYPE 1I; Calpain-3-related limb-girdle muscular dystrophy D4. Identifiers: Orphanet 565909, MedGen C4748295, MONDO:0029133, OMIM 618129.

Allele frequency attached by ClinVar (database versions not stated): TOPMed below 0.00001.

Submissions (2):

MGZ Medical Genetics Center
Classification: Uncertain significance for Muscular dystrophy, limb-girdle, autosomal dominant 4. Last evaluated: 2021-10-12. Review status: criteria provided, single submitter. Criteria: ACMG Guidelines, 2015. Collection method: clinical testing. Allele origin: germline. Affected: yes. Observed: 1 variant allele.
Comment: ACMG criteria applied: PM2_SUP, PP3

Eurofins Ntd Llc (ga)
Classification: Uncertain significance. Last evaluated: 2016-12-28. Review status: criteria provided, single submitter. Criteria: EGL Classification Definitions 2015. Collection method: clinical testing. Allele origin: germline. Observed: 2 variant alleles, 2 heterozygotes.